The following is an entry in ClinVar:

ClinVar aggregate classification (germline): Pathogenic/Likely pathogenic. Review status: criteria provided, multiple submitters, no conflicts (2 of 4 stars). 3 submissions from 3 submitters: Pathogenic (1); Likely pathogenic (2). Last evaluated 2024-07-22.

Conditions:
Peroxisome biogenesis disorder 1B (PBD1B). Also called: Refsum disease, infantile form; PEROXISOME BIOGENESIS DISORDER (NEONATAL ADRENOLEUKODYSTROPHY/INFANTILE REFSUM DISEASE); INFANTILE PHYTANIC ACID STORAGE DISEASE; PEROXISOME BIOGENESIS DISORDER (NALD/IRD); ADRENOLEUKODYSTROPHY, AUTOSOMAL NEONATAL; Infantile Refsum disease. Identifiers: Orphanet 44, MedGen C0282527, MONDO:0011101, OMIM 601539.
Heimler syndrome 1 (HMLR1). Also called: PEROXISOME BIOGENESIS DISORDER 1C. Identifiers: Orphanet 3220, MedGen C4551980, OMIM 234580, MONDO:0024544.
Peroxisome biogenesis disorder 1A (Zellweger) (PBD1A). Also called: Zellweger leukodystrophy; Peroxisome biogenesis disorder 1a. Identifiers: MedGen C4721541, MONDO:0008953, OMIM 214100.
Zellweger spectrum disorders (ZS). Also called: Zellweger Spectrum Disorder; Zellweger Spectrum; Zellweger Spectrum Disorder (ZSD); Zellweger syndrome. Identifiers: Orphanet 912, MedGen C0043459, MONDO:0019609.

Submissions (3):

Natera, Inc.
Classification: Likely pathogenic for Zellweger syndrome. Last evaluated: 2024-07-22. Review status: criteria provided, single submitter. Criteria: Natera Variant Classification Schema (03/2026). Collection method: clinical testing. Allele origin: germline.
Comment: The c.951G>A variant in PEX1 is a nonsense variant predicted to introduce a stop codon at amino acid 317. This variant is expected to result in nonsense mediated decay, truncation, or a dysfunctional protein product. This variant is rare in the general population with a frequency below the threshold expected for the associated phenotype(s). Given the available evidence, this variant is classified as Likely Pathogenic.

Fulgent Genetics
Classification: Likely pathogenic for Peroxisome biogenesis disorder 1A (Zellweger); Heimler syndrome 1; Peroxisome biogenesis disorder 1B. Last evaluated: 2024-02-26. Review status: criteria provided, single submitter. Criteria: ACMG Guidelines, 2015. Collection method: clinical testing. Allele origin: germline.

Labcorp Genetics (formerly Invitae), Labcorp
Classification: Pathogenic for Zellweger spectrum disorders. Last evaluated: 2023-11-19. Review status: criteria provided, single submitter. Criteria: Invitae Variant Classification Sherloc (09022015). Collection method: clinical testing. Allele origin: germline.
Comment: This sequence change creates a premature translational stop signal (p.Trp317*) in the PEX1 gene. It is expected to result in an absent or disrupted protein product. Loss-of-function variants in PEX1 are known to be pathogenic (PMID: 21031596, 26387595, 31831025). This variant is not present in population databases (gnomAD no frequency). This variant has not been reported in the literature in individuals affected with PEX1-related conditions. For these reasons, this variant has been classified as Pathogenic.

Literature cited by the submitters: PubMed 21031596 (cited by Labcorp Genetics (formerly Invitae), Labcorp); PubMed 26387595 (cited by Labcorp Genetics (formerly Invitae), Labcorp); PubMed 31831025 (cited by Labcorp Genetics (formerly Invitae), Labcorp).

NM_000466.3(PEX1):c.951G>A (p.Trp317Ter)

Gene: PEX1 (peroxisomal biogenesis factor 1; minus strand). Cytogenetic location: 7q21.2.
Variant type: single nucleotide variant.
Coding change: c.951G>A on transcript NM_000466.3 (MANE Select); coding-DNA position 951, G replaced by A.
Protein change: p.Trp317Ter; replaces tryptophan 317 with a stop codon.
Molecular consequence: nonsense.
Genome position (GRCh38, 1-based): chr7:92,517,564, C>T on the plus strand (G>A on the coding strand, the complement: PEX1 is on the minus strand). VCF-style: chr7-92517564-C-T. GRCh37 (hg19) VCF-style: chr7-92146878-C-T.
Other names: c.951G>A, p.Trp317Ter (NM_001282677.2); c.327G>A, p.Trp109Ter (NM_001282678.2); c.951G>A (NM_000466.2); short protein forms W109*, W317*.
Identifiers: ClinVar variation 2814690 (VCV002814690.5), dbSNP rs2484702728, ClinGen allele CA368198818.